The following is an entry in ClinVar:

ClinVar aggregate classification (germline): Likely benign. Review status: criteria provided, multiple submitters, no conflicts (2 of 4 stars). 2 submissions from 2 submitters: Likely benign (2). Last evaluated 2026-05-27.

Conditions:
Gastrointestinal stromal tumor. Also called: Gastrointestinal stroma tumor; Gastrointestinal stromal tumor, somatic. Identifiers: Orphanet 44890, MedGen C0238198, MeSH D046152, MONDO:0011719, OMIM 606764, HP:0100723.

Allele frequency attached by ClinVar (database versions not stated): gnomAD exomes 0.00001; TOPMed 0.00001; gnomAD 0.00002.
gnomAD v4.1: 16 of 1,608,538 alleles (0.00099%); highest among the groups gnomAD compares: Non-Finnish European, 0.0013%; no homozygotes.

Submissions (2):

Myriad Genetics, Inc.
Classification: Likely benign for Gastrointestinal stromal tumor. Last evaluated: 2026-05-27. Review status: criteria provided, single submitter. Criteria: Myriad Autosomal Dominant, Autosomal Recessive and X-Linked Classification Criteria (2023). Collection method: clinical testing. Allele origin: unknown.
Comment: This variant is considered likely benign. This variant is intronic and is not expected to impact mRNA splicing.

Labcorp Genetics (formerly Invitae), Labcorp
Classification: Likely benign for Gastrointestinal stromal tumor. Last evaluated: 2025-12-13. Review status: criteria provided, single submitter. Criteria: Invitae Variant Classification Sherloc (09022015). Collection method: clinical testing. Allele origin: germline.

NM_000222.3(KIT):c.1541-20A>G

Gene: KIT (KIT proto-oncogene, receptor tyrosine kinase; plus strand). Cytogenetic location: 4q12.
Variant type: single nucleotide variant.
Coding change: c.1541-20A>G on transcript NM_000222.3 (MANE Select); 20 bases into the intron before coding-DNA position 1541, A replaced by G.
Molecular consequence: intron variant.
Genome position (GRCh38, 1-based): chr4:54,727,198, A>G. VCF-style: chr4-54727198-A-G. GRCh37 (hg19) VCF-style: chr4-55593364-A-G.
Other names: c.1544-20A>G (NM_001385284.1, NM_001385290.1); c.1532-20A>G (NM_001385288.1, NM_001385292.1); c.1541-20A>G (NM_001385285.1); c.1529-20A>G (NM_001093772.2, NM_001385286.1).
Identifiers: ClinVar variation 2092785 (VCV002092785.5), dbSNP rs1160912123, ClinGen allele CA796349015.
Genomic context (GRCh38, chr4:54,727,198, plus strand): 5'-GGTCAGTTTGGGACTGAGTGGCTGTGGTAGAGATCCCATCCTGCCAAAGTTTGTGATTCC[A>G]CATTTCTCTTCCATTGTAGAGCAAATCCATCCCCACACCCTGTTCACTCCTTTGCTGATT-3'